The following is an entry in ClinVar:

NM_004655.4(AXIN2):c.594A>T (p.Glu198Asp)

Gene: AXIN2 (axin 2; minus strand). Cytogenetic location: 17q24.1.
Variant type: single nucleotide variant.
Coding change: c.594A>T on transcript NM_004655.4 (MANE Select); coding-DNA position 594, A replaced by T.
Protein change: p.Glu198Asp; replaces glutamic acid 198 with aspartic acid.
Molecular consequence: missense variant.
Genome position (GRCh38, 1-based): chr17:65,558,027, T>A on the plus strand (A>T on the coding strand, the complement: AXIN2 is on the minus strand). VCF-style: chr17-65558027-T-A. GRCh37 (hg19) VCF-style: chr17-63554145-T-A.
Other names: c.594A>T (LRG_296t1); c.594A>T, p.Glu198Asp (NM_001363813.1); short protein forms E198D.
Identifiers: ClinVar variation 644224 (VCV000644224.12), dbSNP rs1478720065, ClinGen allele CA400680746.

ClinVar aggregate classification (germline): Conflicting classifications of pathogenicity. Review status: criteria provided, conflicting classifications (1 of 4 stars). 2 submissions from 2 submitters: Uncertain significance (1); Likely benign (1). Last evaluated 2025-07-27.

Conditions:
Hereditary cancer-predisposing syndrome. Also called: Neoplastic Syndromes, Hereditary; Tumor predisposition; Hereditary neoplastic syndrome; Hereditary Cancer Syndrome. Identifiers: Orphanet 140162, MedGen C0027672, MeSH D009386, MONDO:0015356.
Oligodontia-cancer predisposition syndrome. Also called: TOOTH AGENESIS-COLORECTAL CANCER SYNDROME. Identifiers: Orphanet 300576, MedGen C1837750, MONDO:0012075, OMIM 608615. Disease mechanism: loss of function.

Allele frequency attached by ClinVar (database versions not stated): gnomAD exomes 0.00001.

Submissions (2):

Labcorp Genetics (formerly Invitae), Labcorp
Classification: Uncertain significance for Oligodontia-cancer predisposition syndrome. Last evaluated: 2025-07-27. Review status: criteria provided, single submitter. Criteria: Invitae Variant Classification Sherloc (09022015). Collection method: clinical testing. Allele origin: germline.
Comment: This sequence change replaces glutamic acid, which is acidic and polar, with aspartic acid, which is acidic and polar, at codon 198 of the AXIN2 protein (p.Glu198Asp). This variant is present in population databases (no rsID available, gnomAD 0.01%). This variant has not been reported in the literature in individuals affected with AXIN2-related conditions. ClinVar contains an entry for this variant (Variation ID: 644224). Invitae Evidence Modeling of protein sequence and biophysical properties (such as structural, functional, and spatial information, amino acid conservation, physicochemical variation, residue mobility, and thermodynamic stability) indicates that this missense variant is not expected to disrupt AXIN2 protein function with a negative predictive value of 80%. In summary, the available evidence is currently insufficient to determine the role of this variant in disease. Therefore, it has been classified as a Variant of Uncertain Significance.

Ambry Genetics
Classification: Likely benign for Hereditary cancer-predisposing syndrome. Last evaluated: 2024-04-17. Review status: criteria provided, single submitter. Criteria: Ambry Variant Classification Scheme 2023. Collection method: clinical testing. Allele origin: germline.